The following is an entry in ClinVar:

ClinVar aggregate classification (germline): Uncertain significance. Review status: criteria provided, multiple submitters, no conflicts (2 of 4 stars). 4 submissions from 4 submitters: Uncertain significance (4). Last evaluated 2025-02-11.

Conditions:
Deficiency of ferroxidase (ACEP). Also called: Aceruloplasminemia; Ceruloplasmin deficiency; Familial apoceruloplasmin deficiency; Hereditary ceruloplasmin deficiency; NEURODEGENERATION WITH BRAIN IRON ACCUMULATION 10; Deficiency of ceruloplasmin. Identifiers: Orphanet 48818, MedGen C0878682, MONDO:0011426, OMIM 604290, HP:0025498.
CP-related disorder. Also called: CP-related condition.

Submissions (4):

PreventionGenetics, part of Exact Sciences
Classification: Uncertain significance for CP-related condition. Last evaluated: 2025-02-11. Review status: criteria provided, single submitter. Criteria: ACMG Guidelines, 2015. Collection method: clinical testing. Allele origin: germline.
Comment: The CP c.1delA variant is predicted to disrupt the translation initiation site (Start Loss). To our knowledge, this variant has not been reported in the literature. This variant is reported in 0.14% of alleles in individuals of Latino descent in gnomAD. Although we suspect that this variant may be pathogenic, at this time, the clinical significance of this variant is uncertain due to the absence of conclusive functional and genetic evidence.

Labcorp Genetics (formerly Invitae), Labcorp
Classification: Uncertain significance for Deficiency of ferroxidase. Last evaluated: 2022-08-23. Review status: criteria provided, single submitter. Criteria: Invitae Variant Classification Sherloc (09022015). Collection method: clinical testing. Allele origin: germline.
Comment: This sequence change affects the initiator methionine of the CP mRNA. The next in-frame methionine is located at codon 158. This variant is present in population databases (rs750317184, gnomAD 0.1%). This variant has not been reported in the literature in individuals affected with CP-related conditions. ClinVar contains an entry for this variant (Variation ID: 997538). Experimental studies and prediction algorithms are not available or were not evaluated, and the functional significance of this variant is currently unknown. In summary, the available evidence is currently insufficient to determine the role of this variant in disease. Therefore, it has been classified as a Variant of Uncertain Significance.

Women's Health and Genetics/Laboratory Corporation of America, LabCorp
Classification: Uncertain significance. Last evaluated: 2022-05-21. Review status: criteria provided, single submitter. Criteria: LabCorp Variant Classification Summary - May 2015. Collection method: clinical testing. Allele origin: germline.
Comment: Variant summary: CP c.1delA (p.Met1?) alters the initiation codon and is predicted to result either in absence of the protein or truncation of the encoded protein due to translation initiation at a downstream codon. The variant allele was found at a frequency of 0.0002 in 250970 control chromosomes (rs758189349 in gnomAD). The observed variant frequency exceeds the estimated maximal expected allele frequency for a pathogenic variant in CP causing Neurodegeneration With Brain Iron Accumulation phenotype (0.00019), strongly suggesting that the variant is benign. To our knowledge, no occurrence of c.1delA in individuals affected with Aceruloplasminemia/Neurodegeneration With Brain Iron Accumulation/Ferroxidase Deficiency and no experimental evidence demonstrating its impact on protein function have been reported. No clinical diagnostic laboratories have submitted clinical-significance assessments for this variant to ClinVar after 2014. Although one clinical diagnostic laboratory has submitted a variant indicated as rs750317185 (gnomAD 0.1%) (SCV002277515.1) annotated as NM_000096.4(CP):c.1del (p.Met1*) in the ClinVar database. Due to the difference in rs# between our ascertainments, this submission is not captured in the context of this evaluation. Based on the evidence outlined above, the variant was classified as uncertain significance.

Fulgent Genetics
Classification: Uncertain significance for Deficiency of ferroxidase. Last evaluated: 2022-02-26. Review status: criteria provided, single submitter. Criteria: ACMG Guidelines, 2015. Collection method: clinical testing. Allele origin: unknown.

NM_000096.4(CP):c.1del (p.Met1*)

Gene: CP (ceruloplasmin; minus strand). Cytogenetic location: 3q25.1.
Variant type: Deletion.
Coding change: c.1del on transcript NM_000096.4 (MANE Select); coding-DNA position 1, one base deleted (A; older notation c.1delA).
Protein change: p.Met1*; replaces methionine 1 with a stop codon.
Genome position (GRCh38, 1-based): chr3:149,221,792, T deleted on the plus strand (A on the coding strand, the reverse complement: CP is on the minus strand); the first of 7 consecutive T bases (chr3:149,221,792-149,221,798); deleting any one gives the same sequence. VCF-style (leftmost placement, unchanged base first): chr3-149221791-AT-A. GRCh37 (hg19) VCF-style: chr3-148939578-AT-A.
Identifiers: ClinVar variation 1496623 (VCV001496623.6), dbSNP rs750317184, ClinGen allele CA2661416.
Genomic context (GRCh38, chr3:149,221,791, plus strand): 5'-TCTTTCGCCCAGGCTGGGGTACTACATAAAAACAGAAAAATACCAAGTATCAAAATCTTC[AT>A]TTTTTTCCCCTTCTTGGAGCCTGAGAAGAAATGAAGTAAAATCAGGAGCAGGCAATTTTA-3'